The following is an entry in ClinVar:

NM_001370595.2(COA8):c.123+12C>T

Gene: COA8 (cytochrome c oxidase assembly factor 8; plus strand). Cytogenetic location: 14q32.33.
Variant type: single nucleotide variant.
Coding change: c.123+12C>T on transcript NM_001370595.2 (MANE Select); 12 bases into the intron after coding-DNA position 123, C replaced by T.
Molecular consequence: intron variant.
Genome position (GRCh38, 1-based): chr14:103,563,136, C>T. VCF-style: chr14-103563136-C-T. GRCh37 (hg19) VCF-style: chr14-104029473-C-T.
Other names: NM_001302652.2:c.123+12C>T; c.162+12C>T (NM_032374.4); c.123+12C>T (NM_001302653.2, NM_001302654.2).
Identifiers: ClinVar variation 389633 (VCV000389633.2), dbSNP rs767933232, ClinGen allele CA7365432.
Genomic context (GRCh38, chr14:103,563,136, plus strand): 5'-ACTCGCTCCGGAGCGCGGCGCCGAGCGCAGGGATACGGCGCCCAGCGGGGTAAGCAGGGG[C>T]CTGGGGACATTGGGCCGGGAGGGGTGACCGGAAGGGAAGACAAACCCGGGCCTCGGGGCC-3'

ClinVar aggregate classification (germline): Likely benign. Review status: criteria provided, multiple submitters, no conflicts (2 of 4 stars). 2 submissions from 2 submitters: Likely benign (2). Last evaluated 2021-10-27.

Conditions:
Mitochondrial complex IV deficiency, nuclear type 17. Also called: Mitochondrial complex 4 deficiency, nuclear type 17. Identifiers: MedGen C5436718, MONDO:0033652, OMIM 619061.

Allele frequency attached by ClinVar (database versions not stated): gnomAD exomes 0.00002 and 0.00004; ExAC 0.00008; TOPMed 0.00011; gnomAD 0.00012 and 0.00013.
gnomAD v4.1: 80 of 1,540,982 alleles (0.0052%); highest among the groups gnomAD compares: African/African-American, 0.034%; no homozygotes.

Submissions (2):

Fulgent Genetics
Classification: Likely benign for Mitochondrial complex IV deficiency, nuclear type 17. Last evaluated: 2021-10-27. Review status: criteria provided, single submitter. Criteria: ACMG Guidelines, 2015. Collection method: clinical testing. Allele origin: unknown.

GeneDx
Classification: Likely benign. Last evaluated: 2017-07-10. Review status: criteria provided, single submitter. Criteria: GeneDx Variant Classification (06012015). Collection method: clinical testing. Allele origin: germline. Affected: yes.
Comment: This variant is considered likely benign or benign based on one or more of the following criteria: it is a conservative change, it occurs at a poorly conserved position in the protein, it is predicted to be benign by multiple in silico algorithms, and/or has population frequency not consistent with disease.